The following is an entry in ClinVar:

NM_001365902.3(NFIX):c.28-16G>A

Gene: NFIX (nuclear factor I X; plus strand). Cytogenetic location: 19p13.13.
Variant type: single nucleotide variant.
Coding change: c.28-16G>A on transcript NM_001365902.3 (MANE Select); 16 bases into the intron before coding-DNA position 28, G replaced by A.
Molecular consequence: intron variant. On other transcripts: synonymous variant (2).
Genome position (GRCh38, 1-based): chr19:13,025,005, G>A. VCF-style: chr19-13025005-G-A. GRCh37 (hg19) VCF-style: chr19-13135819-G-A.
Other names: c.9G>A, p.Pro3= (NM_001365984.2, NM_001365985.2); c.28-16G>A (NM_002501.4, NM_001365982.2); c.4-16G>A (NM_001378404.1, NM_001271044.3); c.76-16G>A (NM_001378405.1); c.-114-16G>A (NM_001365983.2); c.52-16G>A (NM_001271043.2).
Identifiers: ClinVar variation 2099149 (VCV002099149.7), dbSNP rs2013212122, ClinGen allele CA2580096531.

ClinVar aggregate classification (germline): Conflicting classifications of pathogenicity. Review status: criteria provided, conflicting classifications (1 of 4 stars). 4 submissions from 4 submitters: Likely pathogenic (3); Uncertain significance (1). Last evaluated 2025-11-24.

Conditions:
Inborn genetic diseases. Identifiers: MedGen C0950123, MeSH D030342.
Malan overgrowth syndrome (MALNS). Also called: MALAN SYNDROME; NFIX-Related Malan Syndrome; Sotos syndrome 2. Identifiers: Orphanet 420179, MedGen C3553660, MONDO:0013885, OMIM 614753.
Marshall-Smith syndrome (MRSHSS). Identifiers: Orphanet 561, MedGen C0265211, MONDO:0011244, OMIM 602535.

Submissions (4):

Clinical Genetics Laboratory, University Hospital Schleswig-Holstein
Classification: Likely pathogenic for Malan overgrowth syndrome. Last evaluated: 2025-11-24. Review status: criteria provided, single submitter. Criteria: ACMG Guidelines, 2015. Collection method: clinical testing. Allele origin: germline. Affected: yes. Observed: 1 heterozygote.
Comment: ACMG criteria applied: PM2, PS4_Moderate, PP3, PM6_Supporting

GeneDx
Classification: Likely pathogenic. Last evaluated: 2025-02-27. Review status: criteria provided, single submitter. Criteria: GeneDx Variant Classification Process June 2021. Collection method: clinical testing. Allele origin: germline. Affected: yes.
Comment: Not observed at significant frequency in large population cohorts (gnomAD); In silico analysis supports a deleterious effect on splicing; This variant is associated with the following publications: (PMID: 33767182)

Ambry Genetics
Classification: Likely pathogenic for Inborn genetic diseases. Last evaluated: 2022-09-10. Review status: criteria provided, single submitter. Criteria: Ambry Variant Classification Scheme 2023. Collection method: clinical testing. Allele origin: germline.
Comment: The c.28-16G>A intronic alteration results from a G to A substitution 16 nucleotides before coding exon 2 of the NFIX gene._x000D_ _x000D_ Based on the available evidence, the NFIX c.28-16G>A alteration is classified as likely pathogenic for Malan overgrowth syndrome; however, its clinical significance for Marshall-Smith syndrome is unclear. This variant was not reported in population-based cohorts in the Genome Aggregation Database (gnomAD). This nucleotide position is not well conserved in available vertebrate species. In silico splice site analysis predicts that this alteration will weaken the native splice acceptor site and will result in the creation or strengthening of a novel splice acceptor site. Based on the available evidence, this alteration is classified as likely pathogenic.

Labcorp Genetics (formerly Invitae), Labcorp
Classification: Uncertain significance for Malan overgrowth syndrome; Marshall-Smith syndrome. Last evaluated: 2022-09-10. Review status: criteria provided, single submitter. Criteria: Invitae Variant Classification Sherloc (09022015). Collection method: clinical testing. Allele origin: germline.
Comment: In summary, the available evidence is currently insufficient to determine the role of this variant in disease. Therefore, it has been classified as a Variant of Uncertain Significance. Algorithms developed to predict the effect of sequence changes on RNA splicing suggest that this variant may disrupt the consensus splice site. This variant has been observed in individual(s) with clinical features of NFIX-related conditions (PMID: 33767182). This variant is not present in population databases (gnomAD no frequency). This sequence change falls in intron 1 of the NFIX gene. It does not directly change the encoded amino acid sequence of the NFIX protein.

Literature cited by the submitters: PubMed 33767182 (cited by Ambry Genetics and Labcorp Genetics (formerly Invitae), Labcorp).